The following is an entry in ClinVar:

ClinVar aggregate classification (germline): Likely pathogenic. Review status: criteria provided, single submitter (1 of 4 stars). 2 submissions from 2 submitters: Likely pathogenic (1). 1 of the submissions does not count toward it. Last evaluated 2023-01-24.

Conditions:
Muscular dystrophy-dystroglycanopathy. Also called: Congenital muscular dystrophy due to dystroglycanopathy. Identifiers: Orphanet 370953, MedGen C5679911, MONDO:0018276.
Muscular dystrophy-dystroglycanopathy (congenital with brain and eye anomalies), type A3. Also called: Congenital muscular dystrophy-dystroglycanopathy with brain and eye anomalies, type A3; WALKER-WARBURG SYNDROME OR MUSCLE-EYE-BRAIN DISEASE, POMGNT1-RELATED; Muscular dystrophy-dystroglycanopathy (congenital with brain and eye anomalies), type A, 3. Identifiers: MedGen C3151519, MONDO:0009667, OMIM 253280.

Submissions (2):

Broad Center for Mendelian Genomics, Broad Institute of MIT and Harvard
Classification: Likely pathogenic for Muscular dystrophy-dystroglycanopathy. Last evaluated: 2023-01-24. Review status: criteria provided, single submitter. Criteria: ACMG Guidelines, 2015. Collection method: curation. Allele origin: germline. Inheritance: Autosomal recessive inheritance.
Comment: The p.Met581fs variant in POMGNT1 has not been previously reported in the literature in individuals with POMGNT1-associated muscular dystrophy-dystroglycanopathy, but has been identified in 0.005% (1/18360) of East Asian chromosomes by the Genome Aggregation Database (gnomAD; dbSNP ID: rs749332339). Although this variant has been seen in the general population in a heterozygous state, its frequency is low enough to be consistent with a recessive carrier frequency. This variant has also been reported in ClinVar (Variation ID#: 370697) and has been interpreted as likely pathogenic by Counsyl. This variant is predicted to cause a frameshift, which alters the protein‚Äôs amino acid sequence beginning at position 581 and leads to a premature termination codon 3 amino acids downstream. This alteration is then predicted to lead to a truncated or absent protein. Loss of function of the POMGNT1 gene is an established disease mechanism in autosomal recessive POMGNT1-associated muscular dystrophy-dystroglycanopathy. In summary, although additional studies are required to fully establish its clinical significance, this variant is likely pathogenic for POMGNT1-associated muscular dystrophy-dystroglycanopathy. ACMG/AMP Criteria applied: PVS1, PM2 (Richards 2015).

Counsyl
Classification: Likely pathogenic for Muscular dystrophy-dystroglycanopathy (congenital with brain and eye anomalies), type A3. Last evaluated: 2016-03-23. Review status: no assertion criteria provided. Collection method: clinical testing. Allele origin: unknown. Not counted in ClinVar's aggregate classification.

NM_017739.4(POMGNT1):c.1741_1745del (p.Met581fs)

Genes: POMGNT1 (protein O-linked mannose N-acetylglucosaminyltransferase 1 (beta 1,2-); minus strand), TSPAN1 (tetraspanin 1; plus strand). Cytogenetic location: 1p34.1.
Variant type: Deletion.
Coding change: c.1741_1745del on transcript NM_017739.4 (MANE Select); coding-DNA positions 1741 to 1745, 5 bases deleted (ATGGA; older notation c.1741_1745delATGGA).
Protein change: p.Met581fs; shifts the reading frame from methionine 581.
Molecular consequence: frameshift variant.
Genome position (GRCh38, 1-based): chr1:46,189,894-46,189,898, TCCAT deleted on the plus strand (ATGGA on the coding strand, the reverse complement: POMGNT1 is on the minus strand); deleting any 5 consecutive bases within chr1:46,189,894-46,189,900 gives the same sequence; the c. name uses the placement nearest the transcript's 3' end. VCF-style (leftmost placement, unchanged base first): chr1-46189893-CTCCAT-C. GRCh37 (hg19) VCF-style: chr1-46655565-CTCCAT-C.
Other names: NM_017739.4(POMGNT1):c.1741_1745del; p.Met581fs; c.1741_1745del5 (NM_017739.3); c.1741_1745del, p.Met581fs (NM_001243766.2, NM_001410783.1); c.1673_1677delGAATG, p.Met559Glufs (NM_001290129.3); c.1312_1316del, p.Met438fs (NM_001290130.2); short protein forms M581fs, M438fs, M559fs.
Identifiers: ClinVar variation 370697 (VCV000370697.5), dbSNP rs749332339, ClinGen allele CA833254.